The following is an entry in ClinVar:

ClinVar aggregate classification (germline): Likely pathogenic (1 of 4 stars; one submission).

Submission:

Labcorp Genetics (formerly Invitae), Labcorp
Classification: Likely pathogenic. Last evaluated: 2022-04-08. Review status: criteria provided, single submitter. Criteria: Invitae Variant Classification Sherloc (09022015). Collection method: clinical testing. Allele origin: germline.
Comment: This sequence change affects a donor splice site in intron 42 of the VPS13A gene. It is expected to disrupt RNA splicing. Variants that disrupt the donor or acceptor splice site typically lead to a loss of protein function (PMID: 16199547), and loss-of-function variants in VPS13A are known to be pathogenic (PMID: 12404112, 21598378). This variant is not present in population databases (gnomAD no frequency). This variant has not been reported in the literature in individuals affected with VPS13A-related conditions. Algorithms developed to predict the effect of sequence changes on RNA splicing suggest that this variant may disrupt the consensus splice site. In summary, the currently available evidence indicates that the variant is pathogenic, but additional data are needed to prove that conclusively. Therefore, this variant has been classified as Likely Pathogenic.

Literature cited by the submitters: PubMed 16199547; PubMed 12404112; PubMed 21598378.

NM_033305.3(VPS13A):c.5415+2T>A

Gene: VPS13A (vacuolar protein sorting 13 homolog A; plus strand). Cytogenetic location: 9q21.2.
Variant type: single nucleotide variant.
Coding change: c.5415+2T>A on transcript NM_033305.3 (MANE Select); the canonical splice donor site of the intron after coding-DNA position 5415, T replaced by A.
Molecular consequence: splice donor variant.
Genome position (GRCh38, 1-based): chr9:77,319,675, T>A. VCF-style: chr9-77319675-T-A. GRCh37 (hg19) VCF-style: chr9-79934591-T-A.
Other names: c.5298+2T>A (NM_001018037.2); c.5415+2T>A (NM_015186.4, NM_001018038.3).
Identifiers: ClinVar variation 2123234 (VCV002123234.4), dbSNP rs2538001846, ClinGen allele CA373861573.